The following is an entry in ClinVar:

NM_005475.3(SH2B3):c.1405C>G (p.Pro469Ala)

Gene: SH2B3 (SH2B adaptor protein 3; plus strand). Cytogenetic location: 12q24.12.
Variant type: single nucleotide variant.
Coding change: c.1405C>G on transcript NM_005475.3 (MANE Select); coding-DNA position 1405, C replaced by G.
Protein change: p.Pro469Ala; replaces proline 469 with alanine.
Molecular consequence: missense variant.
Genome position (GRCh38, 1-based): chr12:111,447,824, C>G. VCF-style: chr12-111447824-C-G. GRCh37 (hg19) VCF-style: chr12-111885628-C-G.
Other names: c.799C>G, p.Pro267Ala (NM_001291424.1); short protein forms P267A, P469A.
Identifiers: ClinVar variation 3795152 (VCV003795152.1).

ClinVar aggregate classification (germline): Uncertain significance (1 of 4 stars; one submission).

Conditions:
Inborn genetic diseases. Identifiers: MedGen C0950123, MeSH D030342.

gnomAD v4.1: 1 of 1,613,118 alleles (0.000062%); highest among the groups gnomAD compares: East Asian, 0.0022%; no homozygotes.

Submission:

Ambry Genetics
Classification: Uncertain significance for Inborn genetic diseases. Last evaluated: 2025-02-01. Review status: criteria provided, single submitter. Criteria: Ambry Variant Classification Scheme 2023. Collection method: clinical testing. Allele origin: germline.
Comment: The p.P469A variant (also known as c.1405C>G), located in coding exon 6 of the SH2B3 gene, results from a C to G substitution at nucleotide position 1405. The proline at codon 469 is replaced by alanine, an amino acid with highly similar properties. This amino acid position is conserved. In addition, this alteration is predicted to be tolerated by in silico analysis. Based on the available evidence, the clinical significance of this variant remains unclear.